The following is an entry in ClinVar:

NM_001101.5(ACTB):c.286G>T (p.Val96Leu)

Gene: ACTB (actin beta; minus strand). Cytogenetic location: 7p22.1.
Variant type: single nucleotide variant.
Coding change: c.286G>T on transcript NM_001101.5 (MANE Select); coding-DNA position 286, G replaced by T.
Protein change: p.Val96Leu; replaces valine 96 with leucine.
Molecular consequence: missense variant.
Genome position (GRCh38, 1-based): chr7:5,529,238, C>A on the plus strand (G>T on the coding strand, the complement: ACTB is on the minus strand). VCF-style: chr7-5529238-C-A. GRCh37 (hg19) VCF-style: chr7-5568869-C-A.
Other names: short protein forms V96L.
Identifiers: ClinVar variation 1474805 (VCV001474805.8), dbSNP rs2128241393, ClinGen allele CA366704450.

ClinVar aggregate classification (germline): Uncertain significance (1 of 4 stars; one submission).

Conditions:
Baraitser-Winter syndrome 1 (BRWS1). Also called: PACHYGYRIA, MENTAL RETARDATION, EPILEPSY, AND CHARACTERISTIC FACIES; MENTAL RETARDATION WITH EPILEPSY AND CHARACTERISTIC FACIES; BARAITSER-WINTER SYNDROME 1, ATYPICAL; Cerebrofrontofacial syndrome. Identifiers: Orphanet 2649, Orphanet 2995, MedGen C1855722, MONDO:0009470, OMIM 243310.

Submission:

Labcorp Genetics (formerly Invitae), Labcorp
Classification: Uncertain significance for Baraitser-Winter syndrome 1. Last evaluated: 2021-04-16. Review status: criteria provided, single submitter. Criteria: Invitae Variant Classification Sherloc (09022015). Collection method: clinical testing. Allele origin: germline.
Comment: In summary, the available evidence is currently insufficient to determine the role of this variant in disease. Therefore, it has been classified as a Variant of Uncertain Significance. Algorithms developed to predict the effect of missense changes on protein structure and function (SIFT, PolyPhen-2, Align-GVGD) all suggest that this variant is likely to be disruptive, but these predictions have not been confirmed by published functional studies and their clinical significance is uncertain. This variant has not been reported in the literature in individuals with ACTB-related conditions. This variant is not present in population databases (ExAC no frequency). This sequence change replaces valine with leucine at codon 96 of the ACTB protein (p.Val96Leu). The valine residue is highly conserved and there is a small physicochemical difference between valine and leucine.